The following is an entry in ClinVar:

ClinVar aggregate classification (germline): Uncertain significance (1 of 4 stars; one submission).

Conditions:
Neurofibromatosis, type 2 (SWNV). Also called: BILATERAL ACOUSTIC NEUROFIBROMATOSIS; SCHWANNOMATOSIS, VESTIBULAR; NF2-Related Schwannomatosis. Identifiers: Orphanet 637, MedGen C0027832, MONDO:0007039, OMIM 101000. Disease mechanism: loss of function.

gnomAD v4.1: 3 of 1,593,252 alleles (0.00019%); highest among the groups gnomAD compares: Non-Finnish European, 0.00026%; no homozygotes.

Submission:

Labcorp Genetics (formerly Invitae), Labcorp
Classification: Uncertain significance for Neurofibromatosis, type 2. Last evaluated: 2019-01-01. Review status: criteria provided, single submitter. Criteria: Invitae Variant Classification Sherloc (09022015). Collection method: clinical testing. Allele origin: germline.
Comment: This variant is not present in population databases (ExAC no frequency). In summary, the available evidence is currently insufficient to determine the role of this variant in disease. Therefore, it has been classified as a Variant of Uncertain Significance. Nucleotide substitutions within the consensus splice site are a relatively common cause of aberrant splicing (PMID: 17576681, 9536098). Algorithms developed to predict the effect of sequence changes on RNA splicing suggest that this variant is not likely to affect RNA splicing, but this prediction has not been confirmed by published transcriptional studies. This variant has not been reported in the literature in individuals with NF2-related conditions. This sequence change falls in intron 1 of the NF2 gene. It does not directly change the encoded amino acid sequence of the NF2 protein, but it affects a nucleotide within the consensus splice site of the intron.

Literature cited by the submitters: PubMed 17576681; PubMed 9536098.

NM_000268.4(NF2):c.114+4A>T

Gene: NF2 (NF2, moesin-ezrin-radixin like (MERLIN) tumor suppressor; plus strand). Cytogenetic location: 22q12.2.
Variant type: single nucleotide variant.
Coding change: c.114+4A>T on transcript NM_000268.4 (MANE Select); 4 bases into the intron after coding-DNA position 114, A replaced by T.
Molecular consequence: intron variant.
Genome position (GRCh38, 1-based): chr22:29,604,116, A>T. VCF-style: chr22-29604116-A-T. GRCh37 (hg19) VCF-style: chr22-30000105-A-T.
Other names: c.114+4A>T (NM_016418.5, NM_181832.3, NM_181833.3 and 5 more transcripts).
Identifiers: ClinVar variation 847088 (VCV000847088.8), dbSNP rs1207246677, ClinGen allele CA916081972.